The following is an entry in ClinVar:

NM_005670.4(EPM2A):c.43G>A (p.Gly15Ser)

Genes: EPM2A (EPM2A glucan phosphatase, laforin; minus strand), EPM2A-DT (EPM2A divergent transcript; plus strand), LOC129997381 (ATAC-STARR-seq lymphoblastoid silent region 17642; plus strand). Cytogenetic location: 6q24.3.
Variant type: single nucleotide variant.
Coding change: c.43G>A on transcript NM_005670.4 (MANE Select); coding-DNA position 43, G replaced by A.
Protein change: p.Gly15Ser; replaces glycine 15 with serine.
Molecular consequence: missense variant. On other transcripts: 5 prime UTR variant (3), intron variant (1).
Genome position (GRCh38, 1-based): chr6:145,735,456, C>T on the plus strand (G>A on the coding strand, the complement: EPM2A is on the minus strand). VCF-style: chr6-145735456-C-T. GRCh37 (hg19) VCF-style: chr6-146056592-C-T.
Other names: c.43G>A, p.Gly15Ser (NM_001018041.2, NM_001360057.2, NM_001368130.1); c.-627G>A (NM_001360071.2); c.-581G>A (NM_001368129.2); c.-325G>A (NM_001368131.1); c.-114+452G>A (NM_001360064.2); short protein forms G15S.
Identifiers: ClinVar variation 588340 (VCV000588340.13), dbSNP rs1310207444, ClinGen allele CA366188619.

ClinVar aggregate classification (germline): Uncertain significance. Review status: criteria provided, multiple submitters, no conflicts (2 of 4 stars). 2 submissions from 2 submitters: Uncertain significance (2). Last evaluated 2024-11-11.

Conditions:
Progressive myoclonic epilepsy. Also called: Familial progressive myoclonic epilepsy; Myoclonus epilepsy; Progressive myoclonus epilepsy; Myoclonic Epilepsies, Progressive. Identifiers: Orphanet 308, Orphanet 98261, MedGen C0751778, MONDO:0020074.
Inborn genetic diseases. Identifiers: MedGen C0950123, MeSH D030342.

Allele frequency attached by ClinVar (database versions not stated): gnomAD 0.00001.
gnomAD v4.1: 2 of 1,233,380 alleles (0.00016%); highest among the groups gnomAD compares: South Asian, 0.003%; no homozygotes.

Submissions (2):

Ambry Genetics
Classification: Uncertain significance for Inborn genetic diseases. Last evaluated: 2024-11-11. Review status: criteria provided, single submitter. Criteria: Ambry Variant Classification Scheme 2023. Collection method: clinical testing. Allele origin: germline.

Labcorp Genetics (formerly Invitae), Labcorp
Classification: Uncertain significance for Progressive myoclonic epilepsy. Last evaluated: 2022-08-09. Review status: criteria provided, single submitter. Criteria: Invitae Variant Classification Sherloc (09022015). Collection method: clinical testing. Allele origin: germline.
Comment: ClinVar contains an entry for this variant (Variation ID: 588340). This variant has not been reported in the literature in individuals affected with EPM2A-related conditions. This variant is not present in population databases (gnomAD no frequency). This sequence change replaces glycine, which is neutral and non-polar, with serine, which is neutral and polar, at codon 15 of the EPM2A protein (p.Gly15Ser). In summary, the available evidence is currently insufficient to determine the role of this variant in disease. Therefore, it has been classified as a Variant of Uncertain Significance. Algorithms developed to predict the effect of sequence changes on RNA splicing suggest that this variant may create or strengthen a splice site. Algorithms developed to predict the effect of missense changes on protein structure and function are either unavailable or do not agree on the potential impact of this missense change (SIFT: "Tolerated"; PolyPhen-2: "Not Available"; Align-GVGD: "Class C0").